The following is an entry in ClinVar:

NM_001378477.3(NYX):c.338C>T (p.Ala113Val)

Gene: NYX (nyctalopin; plus strand). Cytogenetic location: Xp11.4.
Variant type: single nucleotide variant.
Coding change: c.338C>T on transcript NM_001378477.3 (MANE Select); coding-DNA position 338, C replaced by T.
Protein change: p.Ala113Val; replaces alanine 113 with valine.
Molecular consequence: missense variant.
Genome position (GRCh38, 1-based): chrX:41,473,806, C>T. VCF-style: chrX-41473806-C-T. GRCh37 (hg19) VCF-style: chrX-41333059-C-T.
Other names: c.353C>T (NM_022567.2); c.338C>T, p.Ala113Val (NM_022567.3); short protein forms A113V.
Identifiers: ClinVar variation 2751962 (VCV002751962.5), dbSNP rs1176455071, ClinGen allele CA412989879.

ClinVar aggregate classification (germline): Uncertain significance. Review status: criteria provided, multiple submitters, no conflicts (2 of 4 stars). 3 submissions from 3 submitters: Uncertain significance (3). Last evaluated 2025-09-05.

Conditions:
Inborn genetic diseases. Identifiers: MedGen C0950123, MeSH D030342.

Submissions (3):

Ambry Genetics
Classification: Uncertain significance for Inborn genetic diseases. Last evaluated: 2025-09-05. Review status: criteria provided, single submitter. Criteria: Ambry Variant Classification Scheme 2023. Collection method: clinical testing. Allele origin: germline.

Labcorp Genetics (formerly Invitae), Labcorp
Classification: Uncertain significance. Last evaluated: 2023-08-11. Review status: criteria provided, single submitter. Criteria: Invitae Variant Classification Sherloc (09022015). Collection method: clinical testing. Allele origin: germline.
Comment: This variant has not been reported in the literature in individuals affected with NYX-related conditions. In summary, the available evidence is currently insufficient to determine the role of this variant in disease. Therefore, it has been classified as a Variant of Uncertain Significance. Advanced modeling of protein sequence and biophysical properties (such as structural, functional, and spatial information, amino acid conservation, physicochemical variation, residue mobility, and thermodynamic stability) performed at Invitae indicates that this missense variant is not expected to disrupt NYX protein function. This variant is not present in population databases (gnomAD no frequency). This sequence change replaces alanine, which is neutral and non-polar, with valine, which is neutral and non-polar, at codon 118 of the NYX protein (p.Ala118Val).

Blueprint Genetics
Classification: Uncertain significance. Last evaluated: 2023-04-04. Review status: criteria provided, single submitter. Criteria: ACMG Guidelines, 2015. Collection method: clinical testing. Allele origin: germline.